The following is an entry in ClinVar:

ClinVar aggregate classification (germline): Uncertain significance (1 of 4 stars; one submission).

Submission:

Women's Health and Genetics/Laboratory Corporation of America, LabCorp
Classification: Uncertain significance. Last evaluated: 2025-05-08. Review status: criteria provided, single submitter. Criteria: LabCorp Variant Classification Summary - May 2015. Collection method: clinical testing. Allele origin: germline.
Comment: Variant summary: CASR c.2629G>C (p.Ala877Pro) results in a non-conservative amino acid change in the encoded protein sequence. Algorithms developed to predict the effect of missense changes on protein structure and function all suggest that this variant is likely to be disruptive. The variant was absent in 251150 control chromosomes. The available data on variant occurrences in the general population are insufficient to allow any conclusion about variant significance. To our knowledge, no occurrence of c.2629G>C in individuals affected with Autosomal Dominant Hypocalcemia and no experimental evidence demonstrating its impact on protein function have been reported. No submitters have cited clinical-significance assessments for this variant to ClinVar. Based on the evidence outlined above, the variant was classified as uncertain significance.

NM_000388.4(CASR):c.2629G>C (p.Ala877Pro)

Gene: CASR (calcium sensing receptor; plus strand). Cytogenetic location: 3q21.1.
Variant type: single nucleotide variant.
Coding change: c.2629G>C on transcript NM_000388.4 (MANE Select); coding-DNA position 2629, G replaced by C.
Protein change: p.Ala877Pro; replaces alanine 877 with proline.
Molecular consequence: missense variant.
Genome position (GRCh38, 1-based): chr3:122,284,583, G>C. VCF-style: chr3-122284583-G-C. GRCh37 (hg19) VCF-style: chr3-122003430-G-C.
Other names: c.2659G>C, p.Ala887Pro (NM_001178065.2); short protein forms A877P, A887P.
Identifiers: ClinVar variation 3902401 (VCV003902401.1).